The following is an entry in ClinVar:

ClinVar aggregate classification (germline): Uncertain significance (1 of 4 stars; one submission).

Conditions:
Familial cold autoinflammatory syndrome 3 (FCAS3). Also called: FAMILIAL ATYPICAL COLD URTICARIA; ANTIBODY DEFICIENCY AND IMMUNE DYSREGULATION, PLCG2-ASSOCIATED. Identifiers: Orphanet 300359, MedGen C3280914, MONDO:0013766, OMIM 614468.

Submission:

Labcorp Genetics (formerly Invitae), Labcorp
Classification: Uncertain significance for Familial cold autoinflammatory syndrome 3. Last evaluated: 2022-11-23. Review status: criteria provided, single submitter. Criteria: Invitae Variant Classification Sherloc (09022015). Collection method: clinical testing. Allele origin: germline.
Comment: This variant is not present in population databases (gnomAD no frequency). This sequence change replaces leucine, which is neutral and non-polar, with phenylalanine, which is neutral and non-polar, at codon 129 of the PLCG2 protein (p.Leu129Phe). This variant has not been reported in the literature in individuals affected with PLCG2-related conditions. In summary, the available evidence is currently insufficient to determine the role of this variant in disease. Therefore, it has been classified as a Variant of Uncertain Significance. Algorithms developed to predict the effect of missense changes on protein structure and function are either unavailable or do not agree on the potential impact of this missense change (SIFT: "Deleterious"; PolyPhen-2: "Probably Damaging"; Align-GVGD: "Class C0").

NM_002661.5(PLCG2):c.387A>T (p.Leu129Phe)

Gene: PLCG2 (phospholipase C gamma 2; plus strand). Cytogenetic location: 16q23.3.
Variant type: single nucleotide variant.
Coding change: c.387A>T on transcript NM_002661.5 (MANE Select); coding-DNA position 387, A replaced by T.
Protein change: p.Leu129Phe; replaces leucine 129 with phenylalanine.
Molecular consequence: missense variant.
Genome position (GRCh38, 1-based): chr16:81,858,312, A>T. VCF-style: chr16-81858312-A-T. GRCh37 (hg19) VCF-style: chr16-81891917-A-T.
Other names: c.387A>T, p.Leu129Phe (NM_001425749.1, NM_001425750.1, NM_001425751.1); short protein forms L129F.
Identifiers: ClinVar variation 2815878 (VCV002815878.3), dbSNP rs763570902, ClinGen allele CA396901568.